The following is an entry in ClinVar:

NC_000004.11:g.(?_2822345)_(2822500_?)del

Gene: SH3BP2 (SH3 domain binding protein 2; plus strand). Cytogenetic location: 4p16.3.
Variant type: Deletion.
Identifiers: ClinVar variation 1400130 (VCV001400130.5).

ClinVar aggregate classification (germline): Uncertain significance (1 of 4 stars; one submission).

Conditions:
Fibrous dysplasia of jaw (CRBM). Also called: Cherubism. Identifiers: Orphanet 184, MedGen C0008029, MONDO:0007315, OMIM 118400.

Submission:

Labcorp Genetics (formerly Invitae), Labcorp
Classification: Uncertain significance for Fibrous dysplasia of jaw. Last evaluated: 2022-04-24. Review status: criteria provided, single submitter. Criteria: Invitae Variant Classification Sherloc (09022015). Collection method: clinical testing. Allele origin: germline.
Comment: In summary, the available evidence is currently insufficient to determine the role of this variant in disease. Therefore, it has been classified as a Variant of Uncertain Significance. This variant has not been reported in the literature in individuals affected with SH3BP2-related conditions. This variant is a gross deletion of the genomic region encompassing exon(s) 2 of the SH3BP2 gene, which includes the initiator codon. This deletion extends beyond the assayed region for this gene and therefore may encompass additional genes. It is expected to result in an absent or disrupted protein product. However, the current clinical and genetic evidence is not sufficient to establish whether loss-of-function variants in SH3BP2 cause disease.